The following is an entry in ClinVar:

ClinVar aggregate classification (germline): Uncertain significance (1 of 4 stars; one submission).

Allele frequency attached by ClinVar (database versions not stated): ExAC 0.00002; gnomAD 0.00002; TOPMed 0.00002; gnomAD exomes 0.00003.

Submission:

Labcorp Genetics (formerly Invitae), Labcorp
Classification: Uncertain significance. Last evaluated: 2022-07-09. Review status: criteria provided, single submitter. Criteria: Invitae Variant Classification Sherloc (09022015). Collection method: clinical testing. Allele origin: germline.
Comment: This sequence change replaces aspartic acid, which is acidic and polar, with asparagine, which is neutral and polar, at codon 292 of the GLYCTK protein (p.Asp292Asn). This variant is present in population databases (rs774128847, gnomAD 0.01%). This variant has not been reported in the literature in individuals affected with GLYCTK-related conditions. Algorithms developed to predict the effect of missense changes on protein structure and function (SIFT, PolyPhen-2, Align-GVGD) all suggest that this variant is likely to be tolerated. In summary, the available evidence is currently insufficient to determine the role of this variant in disease. Therefore, it has been classified as a Variant of Uncertain Significance.

NM_145262.4(GLYCTK):c.874G>A (p.Asp292Asn)

Gene: GLYCTK (glycerate kinase; plus strand). Cytogenetic location: 3p21.2.
Variant type: single nucleotide variant.
Coding change: c.874G>A on transcript NM_145262.4 (MANE Select); coding-DNA position 874, G replaced by A.
Protein change: p.Asp292Asn; replaces aspartic acid 292 with asparagine.
Molecular consequence: missense variant. On other transcripts: non-coding transcript variant (3).
Genome position (GRCh38, 1-based): chr3:52,292,428, G>A. VCF-style: chr3-52292428-G-A. GRCh37 (hg19) VCF-style: chr3-52326444-G-A.
Other names: c.698G>A, p.Arg233Gln (NM_001144951.2); short protein forms D292N, R233Q.
Identifiers: ClinVar variation 2153341 (VCV002153341.1), dbSNP rs774128847, ClinGen allele CA2432206.
Genomic context (GRCh38, chr3:52,292,428, plus strand): 5'-AATCGCTACGGCCTCCGTGCAGCCCTGCCACGTTCTGTGAAGACTGTGCTGTCTCGGGCC[G>A]ACTCTGACCCCCATGGGCCACACACCTGTGGCCATGTCCTGAATGTGATCATTGGCTCTA-3'
Protein context (NP_660305.2, residues 282-302): RSVKTVLSRA[Asp292Asn]SDPHGPHTCG